The following is an entry in ClinVar:

NM_000360.4(TH):c.446G>A (p.Arg149His)

Gene: TH (tyrosine hydroxylase; minus strand). Cytogenetic location: 11p15.5.
Variant type: single nucleotide variant.
Coding change: c.446G>A on transcript NM_000360.4 (MANE Select); coding-DNA position 446, G replaced by A.
Protein change: p.Arg149His; replaces arginine 149 with histidine.
Molecular consequence: missense variant.
Genome position (GRCh38, 1-based): chr11:2,168,532, C>T on the plus strand (G>A on the coding strand, the complement: TH is on the minus strand). VCF-style: chr11-2168532-C-T. GRCh37 (hg19) VCF-style: chr11-2189762-C-T.
Other names: c.539G>A, p.Arg180His (NM_199292.3); c.527G>A, p.Arg176His (NM_199293.3); short protein forms R149H, R176H, R180H.
Identifiers: ClinVar variation 2146411 (VCV002146411.1), dbSNP rs1357867110, ClinGen allele CA379128894.

ClinVar aggregate classification (germline): Uncertain significance (1 of 4 stars; one submission).

Conditions:
TH-deficient dopa-responsive dystonia. Also called: Tyrosine Hydroxylase-Deficient Dopa-Responsive Dystonia; Segawa syndrome, autosomal recessive; DYT-TH. Identifiers: Orphanet 101150, MedGen C2673535, MONDO:0011551, OMIM 605407.

Submission:

Labcorp Genetics (formerly Invitae), Labcorp
Classification: Uncertain significance for TH-deficient dopa-responsive dystonia. Last evaluated: 2022-04-17. Review status: criteria provided, single submitter. Criteria: Invitae Variant Classification Sherloc (09022015). Collection method: clinical testing. Allele origin: germline.
Comment: This sequence change replaces arginine, which is basic and polar, with histidine, which is basic and polar, at codon 180 of the TH protein (p.Arg180His). This variant is present in population databases (no rsID available, gnomAD 0.01%). This variant has not been reported in the literature in individuals affected with TH-related conditions. Advanced modeling of protein sequence and biophysical properties (such as structural, functional, and spatial information, amino acid conservation, physicochemical variation, residue mobility, and thermodynamic stability) performed at Invitae indicates that this missense variant is not expected to disrupt TH protein function. In summary, the available evidence is currently insufficient to determine the role of this variant in disease. Therefore, it has been classified as a Variant of Uncertain Significance.